The following is an entry in ClinVar:

NM_015295.3(SMCHD1):c.5176-8G>A

Gene: SMCHD1 (structural maintenance of chromosomes flexible hinge domain containing 1; plus strand). Cytogenetic location: 18p11.32.
Variant type: single nucleotide variant.
Coding change: c.5176-8G>A on transcript NM_015295.3 (MANE Select); 8 bases into the intron before coding-DNA position 5176, G replaced by A.
Molecular consequence: intron variant.
Genome position (GRCh38, 1-based): chr18:2,775,726, G>A. VCF-style: chr18-2775726-G-A. GRCh37 (hg19) VCF-style: chr18-2775724-G-A.
Identifiers: ClinVar variation 1494492 (VCV001494492.6), dbSNP rs2143771244, ClinGen allele CA2573155122.

ClinVar aggregate classification (germline): Uncertain significance (1 of 4 stars; one submission).

Conditions:
Facioscapulohumeral muscular dystrophy 2 (FSHD2). Also called: MUSCULAR DYSTROPHY, FACIOSCAPULOHUMERAL, TYPE 1B; FACIOSCAPULOHUMERAL MUSCULAR DYSTROPHY 2, DIGENIC; FSHD2, DIGENIC. Identifiers: Orphanet 269, MedGen C1834671, MONDO:0008031, OMIM 158901.

Submission:

Labcorp Genetics (formerly Invitae), Labcorp
Classification: Uncertain significance for Facioscapulohumeral muscular dystrophy 2. Last evaluated: 2021-07-31. Review status: criteria provided, single submitter. Criteria: Invitae Variant Classification Sherloc (09022015). Collection method: clinical testing. Allele origin: germline.
Comment: In summary, the available evidence is currently insufficient to determine the role of this variant in disease. Therefore, it has been classified as a Variant of Uncertain Significance. Algorithms developed to predict the effect of sequence changes on RNA splicing suggest that this variant may disrupt the consensus splice site. This variant has not been reported in the literature in individuals affected with SMCHD1-related conditions. This variant is not present in population databases (ExAC no frequency). This sequence change falls in intron 41 of the SMCHD1 gene. It does not directly change the encoded amino acid sequence of the SMCHD1 protein.